The following is an entry in ClinVar:

NM_017433.5(MYO3A):c.2793+5G>T

Gene: MYO3A (myosin IIIA; plus strand). Cytogenetic location: 10p12.1.
Variant type: single nucleotide variant.
Coding change: c.2793+5G>T on transcript NM_017433.5 (MANE Select); 5 bases into the intron after coding-DNA position 2793, G replaced by T.
Molecular consequence: intron variant.
Genome position (GRCh38, 1-based): chr10:26,154,828, G>T. VCF-style: chr10-26154828-G-T. GRCh37 (hg19) VCF-style: chr10-26443757-G-T.
Other names: c.2793+5G>T (NM_017433.4).
Identifiers: ClinVar variation 4086461 (VCV004086461.2).

ClinVar aggregate classification (germline): Uncertain significance. Review status: criteria provided, multiple submitters, no conflicts (2 of 4 stars). 2 submissions from 2 submitters: Uncertain significance (2). Last evaluated 2025-12-08.

Conditions:
MYO3A-related disorder. Also called: MYO3A-related condition.

gnomAD v4.1: 2 of 1,607,000 alleles (0.00012%); highest among the groups gnomAD compares: Admixed American, 0.0033%; no homozygotes.

Submissions (2):

PreventionGenetics, part of Exact Sciences
Classification: Uncertain significance for MYO3A-related condition. Last evaluated: 2025-12-08. Review status: criteria provided, single submitter. Criteria: ACMG Guidelines, 2015. Collection method: clinical testing. Allele origin: germline.
Comment: The MYO3A c.2793+5G>T variant is predicted to interfere with splicing. To our knowledge, this variant has not been reported in the literature. This variant is reported in 0.0029% of alleles in individuals of Latino descent in gnomAD. At this time, the clinical significance of this variant is uncertain due to the absence of conclusive functional and genetic evidence.

GeneDx
Classification: Uncertain significance. Last evaluated: 2025-03-21. Review status: criteria provided, single submitter. Criteria: GeneDx Variant Classification Process June 2021. Collection method: clinical testing. Allele origin: germline. Affected: yes.
Comment: Not observed at significant frequency in large population cohorts (gnomAD); In silico analysis supports a deleterious effect on splicing; Has not been previously published as pathogenic or benign to our knowledge